The following is an entry in ClinVar:

ClinVar aggregate classification (germline): Uncertain significance. Review status: criteria provided, multiple submitters, no conflicts (2 of 4 stars). 3 submissions from 3 submitters: Uncertain significance (3). Last evaluated 2025-02-27.

Conditions:
Hereditary sensory and autonomic neuropathy type 7. Also called: Neuropathy, hereditary sensory and autonomic, type VII; HSAN VII. Identifiers: Orphanet 391397, MedGen C3809882, MONDO:0014244, OMIM 615548.
Familial episodic pain syndrome with predominantly lower limb involvement. Also called: Episodic pain syndrome, familial, 3. Identifiers: Orphanet 391384, Orphanet 391392, MedGen C3809899, MONDO:0014247, OMIM 615552.
Inborn genetic diseases. Identifiers: MedGen C0950123, MeSH D030342.

Allele frequency attached by ClinVar (database versions not stated): gnomAD exomes below 0.00001; TOPMed below 0.00001.
gnomAD v4.1: 3 of 1,614,148 alleles (0.00019%); highest among the groups gnomAD compares: African/African-American, 0.0013%; no homozygotes.

Submissions (3):

Labcorp Genetics (formerly Invitae), Labcorp
Classification: Uncertain significance for Familial episodic pain syndrome with predominantly lower limb involvement; Hereditary sensory and autonomic neuropathy type 7. Last evaluated: 2025-02-27. Review status: criteria provided, single submitter. Criteria: Invitae Variant Classification Sherloc (09022015). Collection method: clinical testing. Allele origin: germline.
Comment: This sequence change replaces tyrosine, which is neutral and polar, with cysteine, which is neutral and slightly polar, at codon 1721 of the SCN11A protein (p.Tyr1721Cys). This variant is not present in population databases (gnomAD no frequency). This variant has not been reported in the literature in individuals affected with SCN11A-related conditions. ClinVar contains an entry for this variant (Variation ID: 2582144). Invitae Evidence Modeling of protein sequence and biophysical properties (such as structural, functional, and spatial information, amino acid conservation, physicochemical variation, residue mobility, and thermodynamic stability) indicates that this missense variant is not expected to disrupt SCN11A protein function with a negative predictive value of 80%. In summary, the available evidence is currently insufficient to determine the role of this variant in disease. Therefore, it has been classified as a Variant of Uncertain Significance.

Ambry Genetics
Classification: Uncertain significance for Inborn genetic diseases. Last evaluated: 2023-07-29. Review status: criteria provided, single submitter. Criteria: Ambry Variant Classification Scheme 2023. Collection method: clinical testing. Allele origin: germline.

GeneDx
Classification: Uncertain significance. Last evaluated: 2023-03-31. Review status: criteria provided, single submitter. Criteria: GeneDx Variant Classification Process June 2021. Collection method: clinical testing. Allele origin: germline. Affected: yes.
Comment: Not observed at significant frequency in large population cohorts (gnomAD); In silico analysis supports that this missense variant has a deleterious effect on protein structure/function; Has not been previously published as pathogenic or benign to our knowledge

NM_001349253.2(SCN11A):c.5162A>G (p.Tyr1721Cys)

Gene: SCN11A (sodium voltage-gated channel alpha subunit 11; minus strand). Cytogenetic location: 3p22.2.
Variant type: single nucleotide variant.
Coding change: c.5162A>G on transcript NM_001349253.2 (MANE Select); coding-DNA position 5162, A replaced by G.
Protein change: p.Tyr1721Cys; replaces tyrosine 1721 with cysteine.
Molecular consequence: missense variant.
Genome position (GRCh38, 1-based): chr3:38,846,908, T>C on the plus strand (A>G on the coding strand, the complement: SCN11A is on the minus strand). VCF-style: chr3-38846908-T-C. GRCh37 (hg19) VCF-style: chr3-38888399-T-C.
Other names: c.5162A>G, p.Tyr1721Cys (NM_014139.3); short protein forms Y1721C.
Identifiers: ClinVar variation 2582144 (VCV002582144.6), dbSNP rs975678310, ClinGen allele CA72959331.
Genomic context (GRCh38, chr3:38,846,908, plus strand): 5'-TGAATAATAGCAGCACCTCTTTCCTCTTCCTTTCTCTTGGTGGTGGTGACTATGGGTTCA[T>C]ACAACTTCTTGAGAGGATTGGCTTCCATGAACTTCTCTTCCATCATTGCTTTCATACTAT-3'
Protein context (NP_001336182.1, residues 1711-1731): FMEANPLKKL[Tyr1721Cys]EPIVTTTKRK